The following is an entry in ClinVar:

NM_000051.4(ATM):c.4331T>C (p.Leu1444Pro)

Gene: ATM (ATM serine/threonine kinase; plus strand). Cytogenetic location: 11q22.3.
Variant type: single nucleotide variant.
Coding change: c.4331T>C on transcript NM_000051.4 (MANE Select); coding-DNA position 4331, T replaced by C.
Protein change: p.Leu1444Pro; replaces leucine 1444 with proline.
Molecular consequence: missense variant.
Genome position (GRCh38, 1-based): chr11:108,289,696, T>C. VCF-style: chr11-108289696-T-C. GRCh37 (hg19) VCF-style: chr11-108160423-T-C.
Other names: c.4331T>C, p.Leu1444Pro (NM_001351834.2); short protein forms L1444P.
Identifiers: ClinVar variation 1719934 (VCV001719934.5), dbSNP rs2082676298, ClinGen allele CA382531906.

ClinVar aggregate classification (germline): Uncertain significance (1 of 4 stars; one submission).

Conditions:
Ataxia-telangiectasia syndrome (AT). Also called: Cerebello-oculocutaneous telangiectasia; ATAXIA-TELANGIECTASIA, COMPLEMENTATION GROUP A; ATAXIA-TELANGIECTASIA, FRESNO VARIANT; Ataxia-telangiectasia, complementation group D; AT, COMPLEMENTATION GROUP C; Immunodeficiency with ataxia telangiectasia. Identifiers: Orphanet 100, MedGen C0004135, MONDO:0008840, OMIM 208900.

Submission:

Labcorp Genetics (formerly Invitae), Labcorp
Classification: Uncertain significance for Ataxia-telangiectasia syndrome. Last evaluated: 2022-07-21. Review status: criteria provided, single submitter. Criteria: Invitae Variant Classification Sherloc (09022015). Collection method: clinical testing. Allele origin: germline.
Comment: In summary, the available evidence is currently insufficient to determine the role of this variant in disease. Therefore, it has been classified as a Variant of Uncertain Significance. Advanced modeling of protein sequence and biophysical properties (such as structural, functional, and spatial information, amino acid conservation, physicochemical variation, residue mobility, and thermodynamic stability) performed at Invitae indicates that this missense variant is not expected to disrupt ATM protein function. This variant has not been reported in the literature in individuals affected with ATM-related conditions. This variant is not present in population databases (gnomAD no frequency). This sequence change replaces leucine, which is neutral and non-polar, with proline, which is neutral and non-polar, at codon 1444 of the ATM protein (p.Leu1444Pro).